The following is an entry in ClinVar:

NM_000350.3(ABCA4):c.5312+1G>A

Gene: ABCA4 (ATP binding cassette subfamily A member 4; minus strand). Cytogenetic location: 1p22.1.
Variant type: single nucleotide variant.
Coding change: c.5312+1G>A on transcript NM_000350.3 (MANE Select); the canonical splice donor site of the intron after coding-DNA position 5312, G replaced by A.
Molecular consequence: splice donor variant.
Genome position (GRCh38, 1-based): chr1:94,015,738, C>T on the plus strand (G>A on the coding strand, the complement: ABCA4 is on the minus strand). VCF-style: chr1-94015738-C-T. GRCh37 (hg19) VCF-style: chr1-94481294-C-T.
Identifiers: ClinVar variation 236128 (VCV000236128.18), dbSNP rs886044750, ClinGen allele CA10602420.

ClinVar aggregate classification (germline): Pathogenic. Review status: criteria provided, multiple submitters, no conflicts (2 of 4 stars). 7 submissions from 6 submitters: Pathogenic (6). 1 of the submissions does not count toward it. Last evaluated 2024-10-01.

Conditions:
ABCA4-related disorder. Also called: ABCA4-related condition; ABCA4-related disorders. Identifiers: MedGen CN239167.
Retinal dystrophy. Also called: Inherited retinal dystrophy. Identifiers: Orphanet 71862, MedGen C0854723, MeSH D058499, MONDO:0019118, HP:0000556.
Stargardt disease (FFM). Also called: Stargardt's disease; Fundus flavimaculatus. Identifiers: Orphanet 827, MedGen C0271093, MONDO:0019353.
Severe early-childhood-onset retinal dystrophy (STGD1). Also called: Stargardt macular dystrophy; Juvenile onset macular degeneration; Stargardt disease 1; STGD; MACULAR DYSTROPHY WITH FLECKS, TYPE 1. Identifiers: Orphanet 364055, Orphanet 827, MedGen C1855465, MeSH D000080362, MONDO:0009549, OMIM 248200.
Age related macular degeneration 2. Also called: MACULOPATHY, AGE-RELATED; MACULAR DEGENERATION, SENILE; MACULOPATHY, AGE-RELATED, 2. Identifiers: MedGen C3495438, MONDO:0007932, OMIM 153800.
Cone-rod dystrophy. Also called: Cone/cone-rod dystrophy; Cone-rod degeneration. Identifiers: Orphanet 1872, MedGen C4085590, MONDO:0015993, HP:0000548.

Allele frequency attached by ClinVar (database versions not stated): gnomAD 0.00001; gnomAD exomes below 0.00001.
gnomAD v4.1: 6 of 1,610,354 alleles (0.00037%); highest among the groups gnomAD compares: Non-Finnish European, 0.00051%; no homozygotes.

Submissions (7):

Lab De Baere, Eye and Developmental Genetics Lab, Ghent University
Classification: Pathogenic for Stargardt disease. Last evaluated: 2024-10-01. Review status: criteria provided, single submitter. Criteria: ACMG Guidelines, 2015. Collection method: research. Allele origin: inherited. Affected: yes. Observed: 1 variant allele.
Comment: ACMG/AMP guidelines: PM2, PP5, PVS1, PS3

Labcorp Genetics (formerly Invitae), Labcorp
Classification: Pathogenic. Last evaluated: 2024-08-14. Review status: criteria provided, single submitter. Criteria: Invitae Variant Classification Sherloc (09022015). Collection method: clinical testing. Allele origin: germline.
Comment: This sequence change affects a donor splice site in intron 37 of the ABCA4 gene. It is expected to disrupt RNA splicing. Variants that disrupt the donor or acceptor splice site typically lead to a loss of protein function (PMID: 16199547), and loss-of-function variants in ABCA4 are known to be pathogenic (PMID: 10958761, 24938718, 25312043, 26780318). This variant is present in population databases (no rsID available, gnomAD 0.0008%). Disruption of this splice site has been observed in individuals with Stargardt disease (PMID: 26593885, 28118664, 29925512). ClinVar contains an entry for this variant (Variation ID: 236128). Studies have shown that disruption of this splice site alters mRNA splicing and is expected to lead to the loss of protein expression (PMID: 28118664). For these reasons, this variant has been classified as Pathogenic.

Blueprint Genetics
Classification: Pathogenic for ABCA4-related disorders. Last evaluated: 2024-04-02. Review status: criteria provided, single submitter. Criteria: ACMG Guidelines, 2015. Collection method: clinical testing. Allele origin: germline. Affected: yes. Observed: 5 variant alleles.

Institute of Human Genetics, Univ. Regensburg, Univ. Regensburg
Classification: Pathogenic for Retinal dystrophy. Last evaluated: 2020-01-01. Review status: criteria provided, single submitter. Criteria: ACMG Guidelines, 2015. Collection method: clinical testing. Allele origin: germline. Affected: yes.

Centre for Mendelian Genomics, University Medical Centre Ljubljana
Classification: Pathogenic for Age related macular degeneration 2. Last evaluated: 2018-10-24. Review status: criteria provided, single submitter. Criteria: ACMG Guidelines, 2015. Collection method: clinical testing. Allele origin: unknown. Affected: yes.
Comment: This variant was classified as: Pathogenic. The following ACMG criteria were applied in classifying this variant: PVS1,PM2,PP3,PP5. This variant was detected in homozygous state.

Institute of Human Genetics, Univ. Regensburg, Univ. Regensburg
Classification: Pathogenic for Severe early-childhood-onset retinal dystrophy. Last evaluated: 2016-01-01. Review status: criteria provided, single submitter. Criteria: Schulz et al. (Invest Ophthalmol Vis Sci. 2017). Collection method: clinical testing, in vitro. Allele origin: germline, unknown. Affected: yes. Observed: 1 heterozygote. Functional consequence: sequence_variant_affecting_splicing.

Sharon lab, Hadassah-Hebrew University Medical Center
Classification: Pathogenic for Cone-rod degeneration. Last evaluated: 2019-06-23. Review status: no assertion criteria provided. Collection method: research. Allele origin: inherited. Affected: yes. Not counted in ClinVar's aggregate classification.

Literature cited by the submitters: PubMed 16199547 (cited by Labcorp Genetics (formerly Invitae), Labcorp); PubMed 10958761 (cited by Labcorp Genetics (formerly Invitae), Labcorp); PubMed 24938718 (cited by Labcorp Genetics (formerly Invitae), Labcorp); PubMed 25312043 (cited by Labcorp Genetics (formerly Invitae), Labcorp); PubMed 26780318 (cited by Labcorp Genetics (formerly Invitae), Labcorp); PubMed 26593885 (cited by Labcorp Genetics (formerly Invitae), Labcorp); PubMed 28118664 (cited by Labcorp Genetics (formerly Invitae), Labcorp and Institute of Human Genetics, Univ. Regensburg, Univ. Regensburg); PubMed 29925512 (cited by Labcorp Genetics (formerly Invitae), Labcorp and Institute of Human Genetics, Univ. Regensburg, Univ. Regensburg); PubMed 21911583 (cited by Institute of Human Genetics, Univ. Regensburg, Univ. Regensburg); PubMed 28947085 (cited by Institute of Human Genetics, Univ. Regensburg, Univ. Regensburg); PubMed 31964843 (cited by Institute of Human Genetics, Univ. Regensburg, Univ. Regensburg); PubMed 32307445 (cited by Institute of Human Genetics, Univ. Regensburg, Univ. Regensburg); PubMed 32413971 (cited by Institute of Human Genetics, Univ. Regensburg, Univ. Regensburg); PubMed 31456290 (cited by Institute of Human Genetics, Univ. Regensburg, Univ. Regensburg).